The following is an entry in ClinVar:

NM_001127649.3(PEX26):c.667+8A>G

Gene: PEX26 (peroxisomal biogenesis factor 26; plus strand). Cytogenetic location: 22q11.21.
Variant type: single nucleotide variant.
Coding change: c.667+8A>G on transcript NM_001127649.3 (MANE Select); 8 bases into the intron after coding-DNA position 667, A replaced by G.
Molecular consequence: intron variant.
Genome position (GRCh38, 1-based): chr22:18,083,740, A>G. VCF-style: chr22-18083740-A-G. GRCh37 (hg19) VCF-style: chr22-18566506-A-G.
Other names: c.667+8A>G (NM_017929.6, NM_001199319.2).
Identifiers: ClinVar variation 593793 (VCV000593793.55), dbSNP rs200880379, ClinGen allele CA10093373.
Genomic context (GRCh38, chr22:18,083,740, plus strand): 5'-GCAGAAACAGGAACACTCAGGCTCTGAGGAGGCCCAGAAGCCAAACCTGGAAGGTAGGAC[A>G]TTATCCCTCTGCGACCTCTGTAAAGTGGACTTGCGGGCTTGCACTGTACCTCGGGGTCTG-3'

ClinVar aggregate classification (germline): Conflicting classifications of pathogenicity. Review status: criteria provided, conflicting classifications (1 of 4 stars). 5 submissions from 5 submitters: Uncertain significance (3); Likely benign (2). Last evaluated 2026-01-18.

Conditions:
Peroxisome biogenesis disorder 7A (Zellweger). Also called: Peroxisome biogenesis disorder 7A. Identifiers: Orphanet 912, MedGen C3888385, MONDO:0013938, OMIM 614872.
Peroxisome biogenesis disorder 7B (PBD7B). Identifiers: Orphanet 44, MedGen C3553951, MONDO:0013939, OMIM 614873.

Allele frequency attached by ClinVar (database versions not stated): TOPMed 0.00062; gnomAD 0.00046; ESP Exome Variant Server 0.00054; ExAC 0.00061.
gnomAD v4.1: 1,159 of 1,613,334 alleles (0.072%); highest among the groups gnomAD compares: Non-Finnish European, 0.092%; no homozygotes.

Submissions (5):

Labcorp Genetics (formerly Invitae), Labcorp
Classification: Likely benign for Peroxisome biogenesis disorder 7A (Zellweger); Peroxisome biogenesis disorder 7B. Last evaluated: 2026-01-18. Review status: criteria provided, single submitter. Criteria: Invitae Variant Classification Sherloc (09022015). Collection method: clinical testing. Allele origin: germline.

Blueprint Genetics
Classification: Likely benign. Last evaluated: 2024-11-25. Review status: criteria provided, single submitter. Criteria: ACMG Guidelines, 2015. Collection method: clinical testing. Allele origin: germline.

CeGaT Center for Human Genetics Tuebingen
Classification: Uncertain significance. Last evaluated: 2023-01-01. Review status: criteria provided, single submitter. Criteria: CeGaT Center For Human Genetics Tuebingen Variant Classification Criteria Version 2. Collection method: clinical testing. Allele origin: germline. Affected: yes. Observed: 2 variant alleles.
Comment: PEX26: PM2, BP4

Eurofins Ntd Llc (ga)
Classification: Uncertain significance. Last evaluated: 2018-03-30. Review status: criteria provided, single submitter. Criteria: EGL ClinVar v180209 classification definitions. Collection method: clinical testing. Allele origin: germline. Observed: 3 variant alleles, 3 heterozygotes.

Illumina Laboratory Services, Illumina
Classification: Uncertain significance for Peroxisome biogenesis disorder 7A (Zellweger). Last evaluated: 2018-01-13. Review status: criteria provided, single submitter. Criteria: ICSL Variant Classification Criteria 13 December 2019. Collection method: clinical testing. Allele origin: germline.